The following is an entry in ClinVar:

NM_032578.4(MYPN):c.59A>G (p.Tyr20Cys)

Gene: MYPN (myopalladin; plus strand). Cytogenetic location: 10q21.3.
Variant type: single nucleotide variant.
Coding change: c.59A>G on transcript NM_032578.4 (MANE Select); coding-DNA position 59, A replaced by G.
Protein change: p.Tyr20Cys; replaces tyrosine 20 with cysteine.
Molecular consequence: missense variant. On other transcripts: 5 prime UTR variant (1), non-coding transcript variant (1).
Genome position (GRCh38, 1-based): chr10:68,121,497, A>G. VCF-style: chr10-68121497-A-G. GRCh37 (hg19) VCF-style: chr10-69881254-A-G.
Other names: p.Y20C:TAT>TGT; MYPN, TYR20CYS (rs140148105); c.59A>G (LRG_410t1); c.59A>G, p.Tyr20Cys (NM_001256267.2); c.-1064A>G (NM_001256268.2); short protein forms Y20C.
Identifiers: ClinVar variation 31811 (VCV000031811.78), dbSNP rs140148105, ClinGen allele CA143769.

ClinVar aggregate classification (germline): Conflicting classifications of pathogenicity. Review status: criteria provided, conflicting classifications (1 of 4 stars). 23 submissions from 22 submitters: Uncertain significance (8); Likely benign (10). 5 of the submissions do not count toward it. Last evaluated 2026-01-26.

Conditions:
MYPN-related disorder. Also called: MYPN-related condition.
MYPN-related myopathy (CMYO24). Also called: Nemaline myopathy 11, autosomal recessive. Identifiers: MedGen C4479186, MONDO:0015023, OMIM 617336.
Dilated cardiomyopathy 1KK (CMD1KK). Identifiers: Orphanet 154, Orphanet 75249, MedGen C3714995, MONDO:0014100, OMIM 615248.
Cardiovascular phenotype. Identifiers: MedGen CN230736.
Familial hypertrophic cardiomyopathy 22 (CMH22). Also called: Cardiomyopathy, hypertrophic, 22. Identifiers: MedGen C3714998.
Primary dilated cardiomyopathy (DCM). Also called: Dilated Cardiomyopathy. Identifiers: Orphanet 217604, MedGen C0007193, MeSH D002311, MONDO:0005021, HP:0001644. Inheritance: Various modes of inheritance.

Allele frequency attached by ClinVar (database versions not stated): ExAC 0.00092; ESP Exome Variant Server 0.00092; 1000 Genomes Project 30x 0.00094; gnomAD exomes 0.00095 and 0.00169; 1000 Genomes Project 0.00100; gnomAD 0.00128 and 0.00130; TOPMed 0.00146.
gnomAD v4.1: 2,659 of 1,614,190 alleles (0.16%); highest among the groups gnomAD compares: Non-Finnish European, 0.2%; 1 homozygote.

Submissions (23):

Labcorp Genetics (formerly Invitae), Labcorp
Classification: Likely benign for Dilated cardiomyopathy 1KK. Last evaluated: 2026-01-26. Review status: criteria provided, single submitter. Criteria: Invitae Variant Classification Sherloc (09022015). Collection method: clinical testing. Allele origin: germline.

Mayo Clinic Laboratories, Mayo Clinic
Classification: Uncertain significance. Last evaluated: 2025-10-16. Review status: criteria provided, single submitter. Criteria: ACMG Guidelines, 2015. Collection method: clinical testing. Allele origin: germline. Observed: 7 variant alleles.
Comment: BS1, PS3_moderate

PreventionGenetics, part of Exact Sciences
Classification: Likely benign for MYPN-related condition. Last evaluated: 2025-03-03. Review status: criteria provided, single submitter. Criteria: ACMG Guidelines, 2015. Collection method: clinical testing. Allele origin: germline.
Comment: This variant is classified as likely benign based on ACMG/AMP sequence variant interpretation guidelines (Richards et al. 2015 PMID: 25741868, with internal and published modifications).

Blueprint Genetics
Classification: Likely benign. Last evaluated: 2024-11-26. Review status: criteria provided, single submitter. Criteria: ACMG Guidelines, 2015. Collection method: clinical testing. Allele origin: germline.

CeGaT Center for Human Genetics Tuebingen
Classification: Uncertain significance. Last evaluated: 2024-07-01. Review status: criteria provided, single submitter. Criteria: CeGaT Center For Human Genetics Tuebingen Variant Classification Criteria Version 2. Collection method: clinical testing. Allele origin: germline. Affected: yes. Observed: 2 variant alleles.
Comment: MYPN: PM2:Supporting, PP3

Women's Health and Genetics/Laboratory Corporation of America, LabCorp
Classification: Likely benign. Last evaluated: 2024-03-31. Review status: criteria provided, single submitter. Criteria: LabCorp Variant Classification Summary - May 2015. Collection method: clinical testing. Allele origin: germline.

Revvity Omics, Revvity
Classification: Likely benign. Last evaluated: 2023-12-01. Review status: criteria provided, single submitter. Criteria: ACMG Guidelines, 2015. Collection method: clinical testing. Allele origin: germline.

Department of Pathology and Laboratory Medicine, Sinai Health System
Classification: Uncertain significance for Dilated cardiomyopathy 1KK; MYPN-related myopathy. Last evaluated: 2023-06-22. Review status: criteria provided, single submitter. Criteria: ACMG Guidelines, 2015. Collection method: research. Allele origin: germline.

Loeys Lab, Universiteit Antwerpen
Classification: Uncertain significance for Primary dilated cardiomyopathy. Last evaluated: 2021-02-26. Review status: criteria provided, single submitter. Criteria: ACMG Guidelines, 2015. Collection method: clinical testing. Allele origin: somatic. Affected: yes. Observed: 4 variant alleles, 4 heterozygotes.
Comment: This sequence change results in a missense variant in the MYPN gene (p.(Tyr20Cys)). This variant is present in population databases with a prevalence of 264/282778 in GnomAD (BS1). The variant affects a highly conserved nucleotide and highly conserved amino acid. This variant has been reported in the literature. It has been identified in several unrelated individuals with DCM or HCM (PMID: 22286171). In a mouse model the variant resulted in the development of HCM, disruption of intercalated discs and disturbed expression of desmin, desmoplakin, connexin 43 and vinculin, leading to abnormal assembly of the terminal Z-disc(PMID: 22286171) (PS3). Prediction programs predict a pathogenic effect (Align GVGD C65, pathogenic; Polyphen-2-HumDiv: probably damaging; Polyphen-2-HumVar: probably damaging; SIFT: deleterious; Mutation Taster: disease causing) (PP3). The variant was identified in 3 unrelated patients. The first had DCM and an additional TMEM c.1073C>T variant (classified as pathogenic, BP5), a second patient presented with DCM and a third patient presented with HCM and carried an additional MYBPC3 variant (c.1227-2A>G, classified as likely pathogenic). No data on segregation are available. In conclusion this variant was classified as a variant of unknown significance according to ACMG-guidelines (the criteria for benign and pathogenic are contradictory: BS1; BP5; PS3; PP3).

GeneDx
Classification: Likely benign. Last evaluated: 2020-11-16. Review status: criteria provided, single submitter. Criteria: GeneDx Variant Classification Process June 2021. Collection method: clinical testing. Allele origin: germline. Affected: yes.
Comment: This variant is associated with the following publications: (PMID: 23299917, 23861362, 22286171, 26688388, 27171814, 28082330, 26899768, 26498160, 27896284, 22892539, 29875424, 30847666, 32880476)

ARUP Laboratories, Molecular Genetics and Genomics, ARUP Laboratories
Classification: Uncertain significance. Last evaluated: 2019-04-13. Review status: criteria provided, single submitter. Criteria: ARUP Molecular Germline Variant Investigation Process. Collection method: clinical testing. Allele origin: germline.
Comment: The p.Tyr20Cys variant (rs140148105) was reported in two patients with either HCM or DCM (Purevjav 2012) and one with DCM who had undergone heart transplant surgery (Cuenca 2016). This variant is listed in the Genome Aggregation Database (gnomAD) with a frequency of 0.15 percent in the European Non-Finnish population (identified on 200 out of 129,122 chromosomes) and has been reported to the ClinVar database (Variation ID: 31811). This variant was reported to change expression of human MYPN binding proteins and resulted in hypertrophy of the mouse heart (Purevjav 2012). The tyrosine at position 20 is highly conserved and computational analyses of the effects of the p.Tyr20Cys variant on protein structure and function provide conflicting results (SIFT: tolerated, PolyPhen-2: probably damaging). Altogether, there is not enough evidence to classify the p.Tyr20Cys variant with certainty. References: Cuenca S et al. Genetic basis of familial dilated cardiomyopathy patients undergoing heart transplantation. J Heart Lung Transplant. 2016 May;35(5):625-35. Purevjav E et al. Molecular basis for clinical heterogeneity in inherited cardiomyopathies due to myopalladin mutations. Hum Mol Genet. 2012 May 1;21(9):2039-53.

Laboratory for Molecular Medicine, Mass General Brigham Personalized Medicine
Classification: Likely benign. Last evaluated: 2018-12-18. Review status: criteria provided, single submitter. Criteria: LMM Criteria. Collection method: clinical testing. Allele origin: germline. Observed: 2 variant alleles.
Comment: The p.Tyr20Cys variant in MYPN is classified as likely benign because it has bee n identified in 0.15% (200/129122) of European chromosomes by gnomAD. ACMG/AMP criteria applied: PP3, PS3_P, BS1

Ambry Genetics
Classification: Likely benign for Cardiovascular phenotype. Last evaluated: 2018-05-07. Review status: criteria provided, single submitter. Criteria: Ambry Variant Classification Scheme 2023. Collection method: clinical testing. Allele origin: germline.

Center for Advanced Laboratory Medicine, UC San Diego Health, University of California San Diego
Classification: Likely benign for Dilated cardiomyopathy. Last evaluated: 2017-08-29. Review status: criteria provided, single submitter. Criteria: ACMG Guidelines, 2015. Collection method: clinical testing. Allele origin: germline. Affected: yes. Observed: 1 variant allele.

Molecular Diagnostic Laboratory for Inherited Cardiovascular Disease, Montreal Heart Institute
Classification: Uncertain significance. Last evaluated: 2017-04-21. Review status: criteria provided, single submitter. Criteria: ACMG Guidelines, 2015. Collection method: clinical testing. Allele origin: germline. Affected: yes.

Eurofins Ntd Llc (ga)
Classification: Uncertain significance. Last evaluated: 2015-11-19. Review status: criteria provided, single submitter. Criteria: EGL Classification Definitions 2015. Collection method: clinical testing. Allele origin: germline. Observed: 1 variant allele, 1 heterozygote.

Biesecker Lab/Clinical Genomics Section, National Institutes of Health
Classification: Likely benign. Last evaluated: 2013-06-24. Review status: criteria provided, single submitter. Criteria: Ng et al. (Circ Cardiovasc Genet. 2013). Collection method: research. Allele origin: unknown. Observed: 2 variant alleles. Study: ClinSeq.
Comment: The study set was not selected for affection status in relation to any cancer. Pathogenicity categories were based on literature curation. See Pubmed ID:23861362 for details.

Medical sequencing

Center for Genomics, Ann and Robert H. Lurie Children's Hospital of Chicago
Classification: Uncertain significance for Dilated cardiomyopathy 1KK; MYPN-related myopathy. Review status: criteria provided, single submitter. Criteria: ACMG Guidelines, 2015. Collection method: clinical testing. Allele origin: germline.
Comment: MYPN NM_032578.3 exon 2 p.Tyr20Cys (c.59A>G): This variant has been reported in the literature in two individuals with DCM and in one individual with HCM (Purevjav 2012 PMID 22286171; Cuenca 2016 PMID 26899768). However, this variant is also present in 0.1% (200/129122) of European alleles in the Genome Aggregation Database and is present in ClinVar, with classifications ranging from likely benign to likely pathogenic (Variation ID:31811). Evolutionary conservation and computational predictive tools suggest that this variant may impact the protein. In addition, an in vivo functional study using transgenic mice supports a deleterious effect of this variant (Purevjav 2012 PMID 22286171). In summary, data on this variant is insufficient for disease classification. Therefore, the clinical significance of this variant is uncertain.

Division of Human Genetics, Children's Hospital of Philadelphia
Classification: Uncertain significance for Dilated cardiomyopathy 1KK. Last evaluated: 2016-04-29. Review status: no assertion criteria provided. Collection method: research. Allele origin: maternal. Affected: yes. Study: CSER-PediSeq. Not counted in ClinVar's aggregate classification.

ClinVar Staff, National Center for Biotechnology Information (NCBI)
Classification: Likely pathogenic for Dilated cardiomyopathy 1KK. Last evaluated: 2013-06-27. Review status: no assertion criteria provided. Collection method: literature only. Allele origin: germline. Affected: yes. Not counted in ClinVar's aggregate classification.

OMIM
Classification: Pathogenic for CARDIOMYOPATHY, FAMILIAL HYPERTROPHIC, 22. Last evaluated: 2012-05-01. Review status: no assertion criteria provided. Collection method: literature only. Allele origin: germline. Not counted in ClinVar's aggregate classification.

OMIM
Classification: Pathogenic for CARDIOMYOPATHY, DILATED, 1KK. Last evaluated: 2012-05-01. Review status: no assertion criteria provided. Collection method: literature only. Allele origin: germline. Not counted in ClinVar's aggregate classification.

Leiden Muscular Dystrophy (MYPN)
No classification provided. Last evaluated: 2012-04-27. Review status: no classification provided. Collection method: curation. Allele origin: germline, de novo. Not counted in ClinVar's aggregate classification.

Literature cited by the submitters: PubMed 22286171 (cited by 6 submitters); PubMed 26899768 (cited by Mayo Clinic Laboratories, Mayo Clinic and Ambry Genetics); PubMed 32880476 (cited by Mayo Clinic Laboratories, Mayo Clinic); PubMed 34797172 (cited by Mayo Clinic Laboratories, Mayo Clinic); PubMed 35581137 (cited by Mayo Clinic Laboratories, Mayo Clinic); PubMed 36178741 (cited by Mayo Clinic Laboratories, Mayo Clinic); PubMed 36935760 (cited by Mayo Clinic Laboratories, Mayo Clinic); PubMed 37198425 (cited by Mayo Clinic Laboratories, Mayo Clinic); PubMed 23299917 (cited by 3 submitters); PubMed 23861362 (cited by Ambry Genetics); PubMed 26498160 (cited by Ambry Genetics); PubMed 27896284 (cited by Ambry Genetics).